The following is an entry in ClinVar:

ClinVar aggregate classification (germline): Likely benign. Review status: criteria provided, multiple submitters, no conflicts (2 of 4 stars). 4 submissions from 4 submitters: Likely benign (4). Last evaluated 2025-04-14.

Conditions:
Early-infantile DEE. Also called: Early infantile epileptic encephalopathy; Early infantile epileptic encephalopathy with suppression bursts; Ohtahara syndrome. Identifiers: Orphanet 1934, MedGen C0393706, MONDO:0800491.
Inborn genetic diseases. Identifiers: MedGen C0950123, MeSH D030342.

Allele frequency attached by ClinVar (database versions not stated): gnomAD exomes 0.00001 and 0.00004; gnomAD 0.00003; TOPMed 0.00004.

Submissions (4):

Labcorp Genetics (formerly Invitae), Labcorp
Classification: Likely benign for Early-infantile DEE. Last evaluated: 2025-04-14. Review status: criteria provided, single submitter. Criteria: Invitae Variant Classification Sherloc (09022015). Collection method: clinical testing. Allele origin: germline.

Blueprint Genetics
Classification: Likely benign. Last evaluated: 2023-03-13. Review status: criteria provided, single submitter. Criteria: ACMG Guidelines, 2015. Collection method: clinical testing. Allele origin: germline.

Ambry Genetics
Classification: Likely benign for Inborn genetic diseases. Last evaluated: 2017-12-15. Review status: criteria provided, single submitter. Criteria: Ambry Variant Classification Scheme 2023. Collection method: clinical testing. Allele origin: germline.

GeneDx
Classification: Likely benign. Last evaluated: 2017-10-13. Review status: criteria provided, single submitter. Criteria: GeneDx Variant Classification (06012015). Collection method: clinical testing. Allele origin: germline. Affected: yes.
Comment: This variant is considered likely benign or benign based on one or more of the following criteria: it is a conservative change, it occurs at a poorly conserved position in the protein, it is predicted to be benign by multiple in silico algorithms, and/or has population frequency not consistent with disease.

NM_001130438.3(SPTAN1):c.5064C>T (p.Ser1688=)

Gene: SPTAN1 (spectrin alpha, non-erythrocytic 1; plus strand). Cytogenetic location: 9q34.11.
Variant type: single nucleotide variant.
Coding change: c.5064C>T on transcript NM_001130438.3 (MANE Select); coding-DNA position 5064, C replaced by T.
Protein change: p.Ser1688=; no amino-acid change (serine 1688 retained).
Molecular consequence: synonymous variant.
Genome position (GRCh38, 1-based): chr9:128,613,401, C>T. VCF-style: chr9-128613401-C-T. GRCh37 (hg19) VCF-style: chr9-131375680-C-T.
Other names: c.4989C>T, p.Ser1663= (NM_001195532.2); c.5064C>T, p.Ser1688= (NM_001363759.2); c.5004C>T, p.Ser1668= (NM_001363765.2); c.5049C>T, p.Ser1683= (NM_003127.4).
Identifiers: ClinVar variation 461228 (VCV000461228.16), dbSNP rs1046339532, ClinGen allele CA200400096.